The following is an entry in ClinVar:

ClinVar aggregate classification (germline): Uncertain significance. Review status: criteria provided, multiple submitters, no conflicts (2 of 4 stars). 3 submissions from 3 submitters: Uncertain significance (3). Last evaluated 2025-03-05.

Conditions:
Sessile serrated polyposis cancer syndrome (SSPCS). Identifiers: Orphanet 157798, MedGen C4310714, MONDO:0014919, OMIM 617108.

Allele frequency attached by ClinVar (database versions not stated): gnomAD 0.00001; TOPMed 0.00001; gnomAD exomes 0.00002 and 0.00006; ExAC 0.00006.

Submissions (3):

Ambry Genetics
Classification: Uncertain significance. Last evaluated: 2025-03-05. Review status: criteria provided, single submitter. Criteria: Ambry Variant Classification Scheme 2023. Collection method: clinical testing. Allele origin: germline.
Comment: The p.R579G variant (also known as c.1735A>G), located in coding exon 8 of the RNF43 gene, results from an A to G substitution at nucleotide position 1735. The arginine at codon 579 is replaced by glycine, an amino acid with dissimilar properties. This amino acid position is conserved. In addition, this alteration is predicted to be tolerated by in silico analysis. Based on the available evidence, the clinical significance of this variant remains unclear.

Baylor Genetics
Classification: Uncertain significance for Sessile serrated polyposis cancer syndrome. Last evaluated: 2024-02-06. Review status: criteria provided, single submitter. Criteria: ACMG Guidelines, 2015. Collection method: clinical testing. Allele origin: unknown.

Labcorp Genetics (formerly Invitae), Labcorp
Classification: Uncertain significance. Last evaluated: 2023-01-19. Review status: criteria provided, single submitter. Criteria: Invitae Variant Classification Sherloc (09022015). Collection method: clinical testing. Allele origin: germline.
Comment: This sequence change replaces arginine, which is basic and polar, with glycine, which is neutral and non-polar, at codon 579 of the RNF43 protein (p.Arg579Gly). This variant is present in population databases (rs745916751, gnomAD 0.04%), and has an allele count higher than expected for a pathogenic variant. This variant has not been reported in the literature in individuals affected with RNF43-related conditions. ClinVar contains an entry for this variant (Variation ID: 1509927). Algorithms developed to predict the effect of missense changes on protein structure and function are either unavailable or do not agree on the potential impact of this missense change (SIFT: "Tolerated"; PolyPhen-2: "Possibly Damaging"; Align-GVGD: "Class C0"). In summary, the available evidence is currently insufficient to determine the role of this variant in disease. Therefore, it has been classified as a Variant of Uncertain Significance.

NM_017763.6(RNF43):c.1735A>G (p.Arg579Gly)

Gene: RNF43 (ring finger protein 43; minus strand). Cytogenetic location: 17q22.
Variant type: single nucleotide variant.
Coding change: c.1735A>G on transcript NM_017763.6 (MANE Select); coding-DNA position 1735, A replaced by G.
Protein change: p.Arg579Gly; replaces arginine 579 with glycine.
Molecular consequence: missense variant.
Genome position (GRCh38, 1-based): chr17:58,358,041, T>C on the plus strand (A>G on the coding strand, the complement: RNF43 is on the minus strand). VCF-style: chr17-58358041-T-C. GRCh37 (hg19) VCF-style: chr17-56435402-T-C.
Other names: c.1735A>G (NM_017763.4); c.1735A>G, p.Arg579Gly (NM_001305544.3); c.1354A>G, p.Arg452Gly (NM_001305545.2); short protein forms R579G, R452G.
Identifiers: ClinVar variation 1509927 (VCV001509927.9), dbSNP rs745916751, ClinGen allele CA8673122.